The following is an entry in ClinVar:

NM_006904.7(PRKDC):c.9922+6T>C

Gene: PRKDC (protein kinase, DNA-activated, catalytic subunit; minus strand). Cytogenetic location: 8q11.21.
Variant type: single nucleotide variant.
Coding change: c.9922+6T>C on transcript NM_006904.7 (MANE Select); 6 bases into the intron after coding-DNA position 9922, T replaced by C.
Molecular consequence: intron variant.
Genome position (GRCh38, 1-based): chr8:47,803,300, A>G on the plus strand (T>C on the coding strand, the complement: PRKDC is on the minus strand). VCF-style: chr8-47803300-A-G. GRCh37 (hg19) VCF-style: chr8-48715861-A-G.
Other names: c.9922+6T>C (NM_001081640.2).
Identifiers: ClinVar variation 1375399 (VCV001375399.6), dbSNP rs1441959490, ClinGen allele CA581654822.
Genomic context (GRCh38, chr8:47,803,300, plus strand): 5'-GGAAGATACACAAGACAATATAACACAGCCCTTTAAGATATAAGTGGATAAAAGCGGTCA[A>G]CTTACCCAACAAAGAGACTGTTTTCAGCACAGTGAGCACCTGCTCAGAGCAGCCCTGGGA-3'

ClinVar aggregate classification (germline): Uncertain significance (1 of 4 stars; one submission).

Conditions:
Severe combined immunodeficiency due to DNA-PKcs deficiency. Also called: IMMUNODEFICIENCY 26 WITH NEUROLOGIC ABNORMALITIES; Immunodeficiency 26 with or without neurologic abnormalities. Identifiers: Orphanet 317425, MedGen C4014833, MONDO:0014423, OMIM 615966.

Allele frequency attached by ClinVar (database versions not stated): gnomAD exomes below 0.00001 and 0.00001.
gnomAD v4.1: 2 of 1,602,796 alleles (0.00012%); highest among the groups gnomAD compares: Admixed American, 0.0035%; no homozygotes.

Submission:

Labcorp Genetics (formerly Invitae), Labcorp
Classification: Uncertain significance for Severe combined immunodeficiency due to DNA-PKcs deficiency. Last evaluated: 2022-11-01. Review status: criteria provided, single submitter. Criteria: Invitae Variant Classification Sherloc (09022015). Collection method: clinical testing. Allele origin: germline.
Comment: This variant is present in population databases (no rsID available, gnomAD 0.006%). This sequence change falls in intron 70 of the PRKDC gene. It does not directly change the encoded amino acid sequence of the PRKDC protein. It affects a nucleotide within the consensus splice site. This variant has not been reported in the literature in individuals affected with PRKDC-related conditions. ClinVar contains an entry for this variant (Variation ID: 1375399). Variants that disrupt the consensus splice site are a relatively common cause of aberrant splicing (PMID: 17576681, 9536098). Algorithms developed to predict the effect of sequence changes on RNA splicing suggest that this variant is not likely to affect RNA splicing. In summary, the available evidence is currently insufficient to determine the role of this variant in disease. Therefore, it has been classified as a Variant of Uncertain Significance.

Literature cited by the submitters: PubMed 17576681; PubMed 9536098.